The following is an entry in ClinVar:

ClinVar aggregate classification (germline): Uncertain significance (1 of 4 stars; one submission).

Conditions:
Osteogenesis imperfecta type 8 (OI8). Identifiers: MedGen C1970458, MONDO:0012581, OMIM 610915.

Allele frequency attached by ClinVar (database versions not stated): gnomAD exomes below 0.00001.
gnomAD v4.1: 2 of 1,614,170 alleles (0.00012%); highest among the groups gnomAD compares: South Asian, 0.0022%; no homozygotes.

Submission:

Labcorp Genetics (formerly Invitae), Labcorp
Classification: Uncertain significance for Osteogenesis imperfecta type 8. Last evaluated: 2021-08-30. Review status: criteria provided, single submitter. Criteria: Invitae Variant Classification Sherloc (09022015). Collection method: clinical testing. Allele origin: germline.
Comment: This sequence change replaces valine with alanine at codon 225 of the P3H1 protein (p.Val225Ala). The valine residue is moderately conserved and there is a small physicochemical difference between valine and alanine. This variant is not present in population databases (ExAC no frequency). This variant has not been reported in the literature in individuals affected with P3H1-related conditions. Algorithms developed to predict the effect of missense changes on protein structure and function (SIFT, PolyPhen-2, Align-GVGD) all suggest that this variant is likely to be tolerated. In summary, the available evidence is currently insufficient to determine the role of this variant in disease. Therefore, it has been classified as a Variant of Uncertain Significance.

NM_022356.4(P3H1):c.674T>C (p.Val225Ala)

Gene: P3H1 (prolyl 3-hydroxylase 1; minus strand). Cytogenetic location: 1p34.2.
Variant type: single nucleotide variant.
Coding change: c.674T>C on transcript NM_022356.4 (MANE Select); coding-DNA position 674, T replaced by C.
Protein change: p.Val225Ala; replaces valine 225 with alanine.
Molecular consequence: missense variant.
Genome position (GRCh38, 1-based): chr1:42,759,335, A>G on the plus strand (T>C on the coding strand, the complement: P3H1 is on the minus strand). VCF-style: chr1-42759335-A-G. GRCh37 (hg19) VCF-style: chr1-43225006-A-G.
Other names: c.674T>C, p.Val225Ala (NM_001146289.2, NM_001243246.2); short protein forms V225A.
Identifiers: ClinVar variation 575028 (VCV000575028.6), dbSNP rs1557573602, ClinGen allele CA339960130.